The following is an entry in ClinVar:

NM_080632.3(UPF3B):c.982G>A (p.Glu328Lys)

Gene: UPF3B (UPF3B regulator of nonsense mediated mRNA decay; minus strand). Cytogenetic location: Xq24.
Variant type: single nucleotide variant.
Coding change: c.982G>A on transcript NM_080632.3 (MANE Select); coding-DNA position 982, G replaced by A.
Protein change: p.Glu328Lys; replaces glutamic acid 328 with lysine.
Molecular consequence: missense variant.
Genome position (GRCh38, 1-based): chrX:119,838,392, C>T on the plus strand (G>A on the coding strand, the complement: UPF3B is on the minus strand). VCF-style: chrX-119838392-C-T. GRCh37 (hg19) VCF-style: chrX-118972355-C-T.
Other names: c.943G>A, p.Glu315Lys (NM_023010.4); short protein forms E315K, E328K.
Identifiers: ClinVar variation 1306567 (VCV001306567.8), dbSNP rs376175156, ClinGen allele CA10503229.

ClinVar aggregate classification (germline): Uncertain significance. Review status: criteria provided, multiple submitters, no conflicts (2 of 4 stars). 3 submissions from 3 submitters: Uncertain significance (3). Last evaluated 2024-10-28.

Conditions:
Intellectual developmental disorder, X-linked, syndromic 14. Also called: Syndromic X-linked intellectual disability 14. Identifiers: Orphanet 776, MedGen C1970822, MONDO:0010398, OMIM 300676.

Allele frequency attached by ClinVar (database versions not stated): gnomAD exomes 0.00001; TOPMed below 0.00001; ExAC 0.00001; ESP Exome Variant Server 0.00009.
gnomAD v4.1: 9 of 1,211,703 alleles (0.00074%); highest among the groups gnomAD compares: Non-Finnish European, 0.00078%; no homozygotes.

Submissions (3):

Labcorp Genetics (formerly Invitae), Labcorp
Classification: Uncertain significance for Intellectual developmental disorder, X-linked, syndromic 14. Last evaluated: 2024-10-28. Review status: criteria provided, single submitter. Criteria: Invitae Variant Classification Sherloc (09022015). Collection method: clinical testing. Allele origin: germline.
Comment: This sequence change replaces glutamic acid, which is acidic and polar, with lysine, which is basic and polar, at codon 328 of the UPF3B protein (p.Glu328Lys). This variant is present in population databases (rs376175156, gnomAD 0.002%). This variant has not been reported in the literature in individuals affected with UPF3B-related conditions. ClinVar contains an entry for this variant (Variation ID: 1306567). Invitae Evidence Modeling of protein sequence and biophysical properties (such as structural, functional, and spatial information, amino acid conservation, physicochemical variation, residue mobility, and thermodynamic stability) indicates that this missense variant is not expected to disrupt UPF3B protein function with a negative predictive value of 80%. In summary, the available evidence is currently insufficient to determine the role of this variant in disease. Therefore, it has been classified as a Variant of Uncertain Significance.

Greenwood Genetic Center Diagnostic Laboratories, Greenwood Genetic Center
Classification: Uncertain significance. Last evaluated: 2022-04-13. Review status: criteria provided, single submitter. Criteria: ACMG Guidelines, 2015. Collection method: clinical testing. Allele origin: germline. Affected: yes.
Comment: PM2

GeneDx
Classification: Uncertain significance. Last evaluated: 2019-06-20. Review status: criteria provided, single submitter. Criteria: GeneDx Variant Classification Process June 2021. Collection method: clinical testing. Allele origin: germline. Affected: yes.
Comment: In silico analysis, which includes protein predictors and evolutionary conservation, supports that this variant does not alter protein structure/function; Has not been previously published as pathogenic or benign to our knowledge